The following is an entry in ClinVar:

ClinVar aggregate classification (germline): Uncertain significance (1 of 4 stars; one submission).

Submission:

Labcorp Genetics (formerly Invitae), Labcorp
Classification: Uncertain significance. Last evaluated: 2022-02-22. Review status: criteria provided, single submitter. Criteria: Invitae Variant Classification Sherloc (09022015). Collection method: clinical testing. Allele origin: germline.
Comment: This sequence change replaces glycine, which is neutral and non-polar, with glutamic acid, which is acidic and polar, at codon 1263 of the ABCA4 protein (p.Gly1263Glu). This variant is not present in population databases (gnomAD no frequency). This variant has not been reported in the literature in individuals affected with ABCA4-related conditions. Advanced modeling of protein sequence and biophysical properties (such as structural, functional, and spatial information, amino acid conservation, physicochemical variation, residue mobility, and thermodynamic stability) performed at Invitae indicates that this missense variant is expected to disrupt ABCA4 protein function. In summary, the available evidence is currently insufficient to determine the role of this variant in disease. Therefore, it has been classified as a Variant of Uncertain Significance.

NM_000350.3(ABCA4):c.3788G>A (p.Gly1263Glu)

Genes: ABCA4 (ATP binding cassette subfamily A member 4; minus strand), LOC126805794 (BRD4-independent group 4 enhancer GRCh37_chr1:94502188-94503387; plus strand). Cytogenetic location: 1p22.1.
Variant type: single nucleotide variant.
Coding change: c.3788G>A on transcript NM_000350.3 (MANE Select); coding-DNA position 3788, G replaced by A.
Protein change: p.Gly1263Glu; replaces glycine 1263 with glutamic acid.
Molecular consequence: missense variant.
Genome position (GRCh38, 1-based): chr1:94,037,170, C>T on the plus strand (G>A on the coding strand, the complement: ABCA4 is on the minus strand). VCF-style: chr1-94037170-C-T. GRCh37 (hg19) VCF-style: chr1-94502726-C-T.
Other names: c.3566G>A, p.Gly1189Glu (NM_001425324.1); short protein forms G1263E, G1189E.
Identifiers: ClinVar variation 2101983 (VCV002101983.4), dbSNP rs1324890038, ClinGen allele CA341288766.